The following is an entry in ClinVar:

ClinVar aggregate classification (germline): Uncertain significance. Review status: criteria provided, multiple submitters, no conflicts (2 of 4 stars). 2 submissions from 2 submitters: Uncertain significance (2). Last evaluated 2025-10-07.

Conditions:
Inborn genetic diseases. Identifiers: MedGen C0950123, MeSH D030342.
Rubinstein-Taybi syndrome due to EP300 haploinsufficiency. Also called: EP300-Related Rubinstein-Taybi Syndrome; RUBINSTEIN-TAYBI SYNDROME 2. Identifiers: Orphanet 353284, Orphanet 783, MedGen C3150941, MONDO:0013364, OMIM 613684.

Allele frequency attached by ClinVar (database versions not stated): gnomAD exomes below 0.00001.
gnomAD v4.1: 2 of 1,614,028 alleles (0.00012%); highest among the groups gnomAD compares: Non-Finnish European, 0.00017%; no homozygotes.

Submissions (2):

Ambry Genetics
Classification: Uncertain significance for Inborn genetic diseases. Last evaluated: 2025-10-07. Review status: criteria provided, single submitter. Criteria: Ambry Variant Classification Scheme 2023. Collection method: clinical testing. Allele origin: germline.

Labcorp Genetics (formerly Invitae), Labcorp
Classification: Uncertain significance for Rubinstein-Taybi syndrome due to EP300 haploinsufficiency. Last evaluated: 2023-03-07. Review status: criteria provided, single submitter. Criteria: Invitae Variant Classification Sherloc (09022015). Collection method: clinical testing. Allele origin: germline.
Comment: This sequence change replaces valine, which is neutral and non-polar, with isoleucine, which is neutral and non-polar, at codon 2352 of the EP300 protein (p.Val2352Ile). This variant is not present in population databases (gnomAD no frequency). This variant has not been reported in the literature in individuals affected with EP300-related conditions. Advanced modeling of protein sequence and biophysical properties (such as structural, functional, and spatial information, amino acid conservation, physicochemical variation, residue mobility, and thermodynamic stability) performed at Invitae indicates that this missense variant is not expected to disrupt EP300 protein function. In summary, the available evidence is currently insufficient to determine the role of this variant in disease. Therefore, it has been classified as a Variant of Uncertain Significance.

NM_001429.4(EP300):c.7054G>A (p.Val2352Ile)

Gene: EP300 (EP300 lysine acetyltransferase; plus strand). Cytogenetic location: 22q13.2.
Variant type: single nucleotide variant.
Coding change: c.7054G>A on transcript NM_001429.4 (MANE Select); coding-DNA position 7054, G replaced by A.
Protein change: p.Val2352Ile; replaces valine 2352 with isoleucine.
Molecular consequence: missense variant.
Genome position (GRCh38, 1-based): chr22:41,178,765, G>A. VCF-style: chr22-41178765-G-A. GRCh37 (hg19) VCF-style: chr22-41574769-G-A.
Other names: c.7054G>A (NM_001429.3); c.6976G>A, p.Val2326Ile (NM_001362843.2); short protein forms V2352I, V2326I.
Identifiers: ClinVar variation 2959527 (VCV002959527.4), dbSNP rs560504491, ClinGen allele CA324520283.